The following is an entry in ClinVar:

ClinVar aggregate classification (germline): Benign (1 of 4 stars; one submission).

gnomAD v4.1: 16,241 of 1,548,070 alleles (1%); highest among the groups gnomAD compares: Non-Finnish European, 1.2%; 117 homozygotes.

Submission:

CeGaT Center for Human Genetics Tuebingen
Classification: Benign. Last evaluated: 2026-09-01. Review status: criteria provided, single submitter. Criteria: CeGaT Center For Human Genetics Tuebingen Variant Classification Criteria Version 2. Collection method: clinical testing. Allele origin: germline. Affected: yes. Observed: 11 variant alleles.
Comment: KCNAB2: BS1, BS2

NM_001199862.2(KCNAB2):c.1158+58T>C

Gene: KCNAB2 (potassium voltage-gated channel subfamily A regulatory beta subunit 2; plus strand). Cytogenetic location: 1p36.31.
Variant type: single nucleotide variant.
Coding change: c.1158+58T>C on transcript NM_001199862.2 (MANE Select); 58 bases into the intron after coding-DNA position 1158, T replaced by C.
Molecular consequence: intron variant.
Genome position (GRCh38, 1-based): chr1:6,097,415, T>C. VCF-style: chr1-6097415-T-C. GRCh37 (hg19) VCF-style: chr1-6157475-T-C.
Other names: c.1014+58T>C (NM_001199861.2, NM_003636.4, NM_001199860.2); c.972+58T>C (NM_172130.3); c.813+58T>C (NM_001199863.2).
Identifiers: ClinVar variation 3341514 (VCV003341514.16).